The following is an entry in ClinVar:

ClinVar aggregate classification (germline): Uncertain significance. Review status: criteria provided, multiple submitters, no conflicts (2 of 4 stars). 3 submissions from 3 submitters: Uncertain significance (3). Last evaluated 2026-03-11.

Conditions:
Cholestasis, progressive familial intrahepatic, 7, with or without hearing loss. Identifiers: MedGen C5562043, MONDO:0030503, OMIM 619658.

Submissions (3):

GeneDx
Classification: Uncertain significance. Last evaluated: 2026-03-11. Review status: criteria provided, single submitter. Criteria: GeneDx Variant Classification Process June 2021. Collection method: clinical testing. Allele origin: germline.
Comment: Intronic +5 splice site variant in a gene for which loss of function is a known mechanism of disease, and both splice predictors and evolutionary conservation support a deleterious effect, although in the absence of functional evidence the actual effect of this sequence change is unknown.; Has not been previously published as pathogenic or benign to our knowledge

Neuberg Centre For Genomic Medicine, NCGM
Classification: Uncertain significance for Cholestasis, progressive familial intrahepatic, 7, with or without hearing loss. Last evaluated: 2023-02-14. Review status: criteria provided, single submitter. Criteria: ACMG Guidelines, 2015. Collection method: clinical testing. Allele origin: germline. Inheritance: Autosomal recessive inheritance. Affected: yes.
Comment: The splice donor c.372+3_372+6del variant in USP53 gene has not been reported previously as a pathogenic variant nor as a benign variant, to our knowledge. The c.372+3_372+6del variant is novel (not in any individuals) in 1000 Genomes. This variant has been reported to the ClinVar database as Uncertain significance. For these reasons, this variant has been classified as Variant of Uncertain Significance (VUS).

Labcorp Genetics (formerly Invitae), Labcorp
Classification: Uncertain significance. Last evaluated: 2022-03-11. Review status: criteria provided, single submitter. Criteria: Invitae Variant Classification Sherloc (09022015). Collection method: clinical testing. Allele origin: germline.
Comment: In summary, the available evidence is currently insufficient to determine the role of this variant in disease. Therefore, it has been classified as a Variant of Uncertain Significance. Variants that disrupt the consensus splice site are a relatively common cause of aberrant splicing (PMID: 17576681, 9536098). Algorithms developed to predict the effect of sequence changes on RNA splicing suggest that this variant may disrupt the consensus splice site. This variant has not been reported in the literature in individuals affected with USP53-related conditions. This variant is present in population databases (rs773537048, gnomAD 0.03%). This sequence change falls in intron 6 of the USP53 gene. It does not directly change the encoded amino acid sequence of the USP53 protein. It affects a nucleotide within the consensus splice site.

Literature cited by the submitters: PubMed 17576681 (cited by Labcorp Genetics (formerly Invitae), Labcorp); PubMed 9536098 (cited by Labcorp Genetics (formerly Invitae), Labcorp).

NM_001371395.1(USP53):c.372+3_372+6del

Gene: USP53 (ubiquitin specific peptidase 53; plus strand). Cytogenetic location: 4q26.
Variant type: Deletion.
Coding change: c.372+3_372+6del on transcript NM_001371395.1 (MANE Select); bases 3 to 6 of the intron after coding-DNA position 372, 4 bases deleted (AAGT; older notation c.372+3_372+6delAAGT).
Molecular consequence: splice donor variant.
Genome position (GRCh38, 1-based): chr4:119,248,885-119,248,888, AAGT deleted; deleting any 4 consecutive bases within chr4:119,248,883-119,248,888 gives the same sequence; the c. name uses the placement nearest the transcript's 3' end. VCF-style (leftmost placement, unchanged base first): chr4-119248882-TGTAA-T. GRCh37 (hg19) VCF-style: chr4-120170037-TGTAA-T.
Other names: c.372+3_372+6del (NM_019050.3, NM_001389661.1, NM_001389658.1 and 6 more transcripts); c.24+3_24+6del (NM_001389663.1, NM_001389667.1, NM_001389664.1 and 3 more transcripts).
Identifiers: ClinVar variation 1421292 (VCV001421292.5), dbSNP rs773537048, ClinGen allele CA3058884.